The following is an entry in ClinVar:

ClinVar aggregate classification (germline): Uncertain significance. Review status: criteria provided, multiple submitters, no conflicts (2 of 4 stars). 2 submissions from 2 submitters: Uncertain significance (2). Last evaluated 2026-06-02.

Conditions:
Hereditary cancer-predisposing syndrome. Also called: Tumor predisposition; Hereditary Cancer Syndrome; Hereditary neoplastic syndrome; Neoplastic Syndromes, Hereditary. Identifiers: Orphanet 140162, MedGen C0027672, MeSH D009386, MONDO:0015356.
Tuberous sclerosis 1 (TSC1). Identifiers: Orphanet 805, MedGen C1854465, MONDO:0008612, OMIM 191100.

Submissions (2):

Ambry Genetics
Classification: Uncertain significance for Hereditary cancer-predisposing syndrome. Last evaluated: 2026-06-02. Review status: criteria provided, single submitter. Criteria: Ambry Variant Classification Scheme 2023. Collection method: clinical testing. Allele origin: germline.
Comment: The p.V227M variant (also known as c.679G>A), located in coding exon 6 of the TSC1 gene, results from a G to A substitution at nucleotide position 679. The valine at codon 227 is replaced by methionine, an amino acid with highly similar properties. This amino acid position is conserved. In addition, this alteration is predicted to be deleterious by in silico analysis. Based on the available evidence, the clinical significance of this variant remains unclear.

Labcorp Genetics (formerly Invitae), Labcorp
Classification: Uncertain significance for Tuberous sclerosis 1. Last evaluated: 2022-04-13. Review status: criteria provided, single submitter. Criteria: Invitae Variant Classification Sherloc (09022015). Collection method: clinical testing. Allele origin: germline.
Comment: In summary, the available evidence is currently insufficient to determine the role of this variant in disease. Therefore, it has been classified as a Variant of Uncertain Significance. Algorithms developed to predict the effect of missense changes on protein structure and function are either unavailable or do not agree on the potential impact of this missense change (SIFT: "Deleterious"; PolyPhen-2: "Probably Damaging"; Align-GVGD: "Class C0"). This variant has not been reported in the literature in individuals affected with TSC1-related conditions. This variant is not present in population databases (gnomAD no frequency). This sequence change replaces valine, which is neutral and non-polar, with methionine, which is neutral and non-polar, at codon 227 of the TSC1 protein (p.Val227Met).

NM_000368.5(TSC1):c.679G>A (p.Val227Met)

Gene: TSC1 (TSC complex subunit 1; minus strand). Cytogenetic location: 9q34.13.
Variant type: single nucleotide variant.
Coding change: c.679G>A on transcript NM_000368.5 (MANE Select); coding-DNA position 679, G replaced by A.
Protein change: p.Val227Met; replaces valine 227 with methionine.
Molecular consequence: missense variant.
Genome position (GRCh38, 1-based): chr9:132,921,421, C>T on the plus strand (G>A on the coding strand, the complement: TSC1 is on the minus strand). VCF-style: chr9-132921421-C-T. GRCh37 (hg19) VCF-style: chr9-135796808-C-T.
Other names: c.679G>A, p.Val227Met (NM_001162426.2, NM_001406592.1, NM_001406593.1 and 16 more transcripts); c.526G>A, p.Val176Met (NM_001162427.2, NM_001406610.1, NM_001406611.1 and 2 more transcripts); c.316G>A, p.Val106Met (NM_001362177.2, NM_001406614.1, NM_001406615.1 and 10 more transcripts); c.-415G>A (NM_001406630.1); short protein forms V227M, V176M, V106M.
Identifiers: ClinVar variation 2125870 (VCV002125870.5), dbSNP rs1846548148, ClinGen allele CA375371465.